The following is an entry in ClinVar:

ClinVar aggregate classification (germline): Pathogenic (1 of 4 stars; one submission).

Conditions:
Hypercholesterolemia, familial, 4 (FHCL4). Also called: HYPERCHOLESTEROLEMIA, AUTOSOMAL RECESSIVE, 1; HYPERCHOLESTEROLEMIA, AUTOSOMAL RECESSIVE, 2. Identifiers: Orphanet 391665, MedGen C1863512, MONDO:0011374, OMIM 603813.

Allele frequency attached by ClinVar (database versions not stated): TOPMed below 0.00001; gnomAD exomes 0.00001.
gnomAD v4.1: 6 of 1,211,278 alleles (0.0005%); highest among the groups gnomAD compares: Non-Finnish European, 0.00062%; no homozygotes.

Submission:

Labcorp Genetics (formerly Invitae), Labcorp
Classification: Pathogenic for Hypercholesterolemia, familial, 4. Last evaluated: 2022-10-05. Review status: criteria provided, single submitter. Criteria: Invitae Variant Classification Sherloc (09022015). Collection method: clinical testing. Allele origin: germline.
Comment: For these reasons, this variant has been classified as Pathogenic. This variant has not been reported in the literature in individuals affected with LDLRAP1-related conditions. This variant is not present in population databases (gnomAD no frequency). This sequence change creates a premature translational stop signal (p.Leu17*) in the LDLRAP1 gene. It is expected to result in an absent or disrupted protein product. Loss-of-function variants in LDLRAP1 are known to be pathogenic (PMID: 11326085, 12464675).

Literature cited by the submitters: PubMed 11326085; PubMed 12464675.

NM_015627.3(LDLRAP1):c.50T>A (p.Leu17Ter)

Genes: LDLRAP1 (low density lipoprotein receptor adaptor protein 1; plus strand), LOC129929773 (ATAC-STARR-seq lymphoblastoid silent region 456; plus strand). Cytogenetic location: 1p36.11.
Variant type: single nucleotide variant.
Coding change: c.50T>A on transcript NM_015627.3 (MANE Select); coding-DNA position 50, T replaced by A.
Protein change: p.Leu17Ter; replaces leucine 17 with a stop codon.
Molecular consequence: nonsense.
Genome position (GRCh38, 1-based): chr1:25,543,748, T>A. VCF-style: chr1-25543748-T-A. GRCh37 (hg19) VCF-style: chr1-25870239-T-A.
Other names: short protein forms L17*.
Identifiers: ClinVar variation 2043753 (VCV002043753.4), dbSNP rs2043858229, ClinGen allele CA339076623.